The following is an entry in ClinVar:

NM_021930.6(RINT1):c.296T>G (p.Ile99Ser)

Gene: RINT1 (RAD50 interactor 1; plus strand). Cytogenetic location: 7q22.3.
Variant type: single nucleotide variant.
Coding change: c.296T>G on transcript NM_021930.6 (MANE Select); coding-DNA position 296, T replaced by G.
Protein change: p.Ile99Ser; replaces isoleucine 99 with serine.
Molecular consequence: missense variant. On other transcripts: 5 prime UTR variant (3), non-coding transcript variant (1).
Genome position (GRCh38, 1-based): chr7:105,542,430, T>G. VCF-style: chr7-105542430-T-G. GRCh37 (hg19) VCF-style: chr7-105182877-T-G.
Other names: c.62T>G, p.Ile21Ser (NM_001346599.2); c.-724T>G (NM_001346600.2); c.-627T>G (NM_001346601.2); c.-247T>G (NM_001346603.2); short protein forms I99S, I21S.
Identifiers: ClinVar variation 410805 (VCV000410805.10), dbSNP rs1060503050, ClinGen allele CA16612054.
Genomic context (GRCh38, chr7:105,542,430, plus strand): 5'-CTGTTCTTTCTTTCTTTCTTTTTTAAAATTATGGTCAGGTACTTACAATTTCATCAGAAA[T>G]TCCTAAAAGAATTCGAAGTGCCTTAAAAAATGCAGAAGAATCAAAGCAATTTCTTAATCA-3'
Protein context (NP_068749.3, residues 89-109): EEQVLTISSE[Ile99Ser]PKRIRSALKN

ClinVar aggregate classification (germline): Uncertain significance (1 of 4 stars; one submission).

Submission:

Labcorp Genetics (formerly Invitae), Labcorp
Classification: Uncertain significance. Last evaluated: 2022-10-28. Review status: criteria provided, single submitter. Criteria: Invitae Variant Classification Sherloc (09022015). Collection method: clinical testing. Allele origin: germline.
Comment: ClinVar contains an entry for this variant (Variation ID: 410805). In summary, the available evidence is currently insufficient to determine the role of this variant in disease. Therefore, it has been classified as a Variant of Uncertain Significance. Algorithms developed to predict the effect of missense changes on protein structure and function (SIFT, PolyPhen-2, Align-GVGD) all suggest that this variant is likely to be tolerated. This variant has not been reported in the literature in individuals affected with RINT1-related conditions. This variant is not present in population databases (gnomAD no frequency). This sequence change replaces isoleucine, which is neutral and non-polar, with serine, which is neutral and polar, at codon 99 of the RINT1 protein (p.Ile99Ser).